The following is an entry in ClinVar:

NM_006767.4(LZTR1):c.565A>T (p.Ile189Phe)

Gene: LZTR1 (leucine zipper like post translational regulator 1; plus strand). Cytogenetic location: 22q11.21.
Variant type: single nucleotide variant.
Coding change: c.565A>T on transcript NM_006767.4 (MANE Select); coding-DNA position 565, A replaced by T.
Protein change: p.Ile189Phe; replaces isoleucine 189 with phenylalanine.
Molecular consequence: missense variant.
Genome position (GRCh38, 1-based): chr22:20,988,844, A>T. VCF-style: chr22-20988844-A-T. GRCh37 (hg19) VCF-style: chr22-21343133-A-T.
Other names: short protein forms I189F.
Identifiers: ClinVar variation 3238309 (VCV003238309.1), dbSNP rs1924497432.

ClinVar aggregate classification (germline): Likely pathogenic (1 of 4 stars; one submission).

Conditions:
Hereditary cancer-predisposing syndrome. Also called: Neoplastic Syndromes, Hereditary; Tumor predisposition; Hereditary neoplastic syndrome; Hereditary Cancer Syndrome. Identifiers: Orphanet 140162, MedGen C0027672, MeSH D009386, MONDO:0015356.
Cardiovascular phenotype. Identifiers: MedGen CN230736.

Submission:

Ambry Genetics
Classification: Likely pathogenic for Cardiovascular phenotype; Hereditary cancer-predisposing syndrome. Last evaluated: 2023-10-21. Review status: criteria provided, single submitter. Criteria: Ambry Variant Classification Scheme 2023. Collection method: clinical testing. Allele origin: germline.
Comment: The c.565A>T variant (also known as p.I189F), located in coding exon 6 of the LZTR1 gene, results from an A to T substitution at nucleotide position 565. The isoleucine at codon 189 is replaced by phenylalanine, an amino acid with highly similar properties. This nucleotide position is highly conserved in available vertebrate species. In silico splice site analysis predicts that this alteration will not have any significant effect on splicing; however, RNA studies have demonstrated that this alteration results in abnormal splicing in the set of samples tested (Ambry internal data). Based on the supporting evidence, this variant is likely pathogenic for an increased risk of LZTR1-related schwannomatosis (SWN) and would be expected to cause autosomal recessive Noonan syndrome when present along with a second pathogenic or likely pathogenic variant on the other allele.